The following is an entry in ClinVar:

ClinVar aggregate classification (germline): Uncertain significance (1 of 4 stars; one submission).

Allele frequency attached by ClinVar (database versions not stated): gnomAD 0.00001; gnomAD exomes 0.00001; TOPMed 0.00001.
gnomAD v4.1: 4 of 1,613,980 alleles (0.00025%); highest among the groups gnomAD compares: Admixed American, 0.0067%; no homozygotes.

Submission:

Labcorp Genetics (formerly Invitae), Labcorp
Classification: Uncertain significance. Last evaluated: 2021-05-14. Review status: criteria provided, single submitter. Criteria: Invitae Variant Classification Sherloc (09022015). Collection method: clinical testing. Allele origin: germline.
Comment: In summary, the available evidence is currently insufficient to determine the role of this variant in disease. Therefore, it has been classified as a Variant of Uncertain Significance. Advanced modeling of protein sequence and biophysical properties (such as structural, functional, and spatial information, amino acid conservation, physicochemical variation, residue mobility, and thermodynamic stability) performed at Invitae indicates that this missense variant is expected to disrupt COL9A2 protein function. This variant has not been reported in the literature in individuals with COL9A2-related conditions. This variant is not present in population databases (ExAC no frequency). This sequence change replaces glycine with aspartic acid at codon 331 of the COL9A2 protein (p.Gly331Asp). The glycine residue is highly conserved and there is a moderate physicochemical difference between glycine and aspartic acid.

NM_001852.4(COL9A2):c.992G>A (p.Gly331Asp)

Gene: COL9A2 (collagen type IX alpha 2 chain; minus strand). Cytogenetic location: 1p34.2.
Variant type: single nucleotide variant.
Coding change: c.992G>A on transcript NM_001852.4 (MANE Select); coding-DNA position 992, G replaced by A.
Protein change: p.Gly331Asp; replaces glycine 331 with aspartic acid.
Molecular consequence: missense variant.
Genome position (GRCh38, 1-based): chr1:40,307,462, C>T on the plus strand (G>A on the coding strand, the complement: COL9A2 is on the minus strand). VCF-style: chr1-40307462-C-T. GRCh37 (hg19) VCF-style: chr1-40773134-C-T.
Other names: short protein forms G331D.
Identifiers: ClinVar variation 1482558 (VCV001482558.8), dbSNP rs961390917, ClinGen allele CA21041665.